The following is an entry in ClinVar:

NM_174936.4(PCSK9):c.643C>G (p.Arg215Gly)

Gene: PCSK9 (proprotein convertase subtilisin/kexin type 9; plus strand). Cytogenetic location: 1p32.3.
Variant type: single nucleotide variant.
Coding change: c.643C>G on transcript NM_174936.4 (MANE Select); coding-DNA position 643, C replaced by G.
Protein change: p.Arg215Gly; replaces arginine 215 with glycine.
Molecular consequence: missense variant. On other transcripts: non-coding transcript variant (8).
Genome position (GRCh38, 1-based): chr1:55,052,397, C>G. VCF-style: chr1-55052397-C-G. GRCh37 (hg19) VCF-style: chr1-55518070-C-G.
Other names: c.766C>G, p.Arg256Gly (NM_001407240.1); c.643C>G, p.Arg215Gly (NM_001407241.1, NM_001407242.1, NM_001407244.1 and 1 more transcripts); c.586C>G, p.Arg196Gly (NM_001407243.1); c.451C>G, p.Arg151Gly (NM_001407245.1); c.268C>G, p.Arg90Gly (NM_001407246.1); short protein forms R151G, R196G, R215G, R256G, R90G.
Identifiers: ClinVar variation 4799901 (VCV004799901.1).
Genomic context (GRCh38, chr1:55,052,397, plus strand): 5'-GAAATCGAGGGCAGGGTCATGGTCACCGACTTCGAGAATGTGCCCGAGGAGGACGGGACC[C>G]GCTTCCACAGACAGGTAAGCACGGCCGTCTGATGGGAGGGCTGCCTCTGCCCATATCCCC-3'
Protein context (NP_777596.2, residues 205-225): FENVPEEDGT[Arg215Gly]FHRQASKCDS

ClinVar aggregate classification (germline): Uncertain significance (1 of 4 stars; one submission).

Conditions:
Hypercholesterolemia, autosomal dominant, 3 (FHCL3). Also called: Familial Hypercholesterolemia, Autosomal Dominant, 3; PCSK9-Related Familial Hypercholesterolemia, Autosomal Dominant; Familial hypercholesterolemia 3. Identifiers: MedGen C1863551, MONDO:0011369, OMIM 603776.

Submission:

Labcorp Genetics (formerly Invitae), Labcorp
Classification: Uncertain significance for Hypercholesterolemia, autosomal dominant, 3. Last evaluated: 2025-03-05. Review status: criteria provided, single submitter. Criteria: Invitae Variant Classification Sherloc (09022015). Collection method: clinical testing. Allele origin: germline.
Comment: This sequence change replaces arginine, which is basic and polar, with glycine, which is neutral and non-polar, at codon 215 of the PCSK9 protein (p.Arg215Gly). This variant is not present in population databases (gnomAD no frequency). This variant has not been reported in the literature in individuals affected with PCSK9-related conditions. Invitae Evidence Modeling of protein sequence and biophysical properties (such as structural, functional, and spatial information, amino acid conservation, physicochemical variation, residue mobility, and thermodynamic stability) has been performed for this missense variant. However, the output from this modeling did not meet the statistical confidence thresholds required to predict the impact of this variant on PCSK9 protein function. This variant disrupts the p.Arg215 amino acid residue in PCSK9. Other variant(s) that disrupt this residue have been determined to be pathogenic (PMID: 18266662, 18631360, 27896130). This suggests that this residue is clinically significant, and that variants that disrupt this residue are likely to be disease-causing. In summary, the available evidence is currently insufficient to determine the role of this variant in disease. Therefore, it has been classified as a Variant of Uncertain Significance.

Literature cited by the submitters: PubMed 18266662; PubMed 18631360; PubMed 27896130.